The following is an entry in ClinVar:

NM_001276277.3(PPIP5K2):c.2055A>G (p.Lys685=)

Gene: PPIP5K2 (diphosphoinositol pentakisphosphate kinase 2; plus strand). Cytogenetic location: 5q21.1.
Variant type: single nucleotide variant.
Coding change: c.2055A>G on transcript NM_001276277.3 (MANE Select); coding-DNA position 2055, A replaced by G.
Protein change: p.Lys685=; no amino-acid change (lysine 685 retained).
Molecular consequence: synonymous variant.
Genome position (GRCh38, 1-based): chr5:103,167,313, A>G. VCF-style: chr5-103167313-A-G. GRCh37 (hg19) VCF-style: chr5-102503017-A-G.
Other names: c.2055A>G, p.Lys685= (NM_001281471.3, NM_001345871.2, NM_001345872.2 and 4 more transcripts); c.2052A>G, p.Lys684= (NM_001345873.2, NM_001345877.2, NM_001345878.2); c.2055A>G (NM_001281471.2).
Identifiers: ClinVar variation 2655628 (VCV002655628.25), dbSNP rs35071493, ClinGen allele CA3360308.

ClinVar aggregate classification (germline): Likely benign. Review status: criteria provided, single submitter (1 of 4 stars). 2 submissions from 2 submitters: Likely benign (1). 1 of the submissions does not count toward it. Last evaluated 2026-04-01.

Conditions:
PPIP5K2-related disorder. Also called: PPIP5K2-related condition.

Allele frequency attached by ClinVar (database versions not stated): 1000 Genomes Project 0.00200; 1000 Genomes Project 30x 0.00203; TOPMed 0.00349; gnomAD 0.00468; ESP Exome Variant Server 0.00524; ExAC 0.00547; gnomAD exomes 0.00702.
gnomAD v4.1: 10,605 of 1,570,172 alleles (0.68%); highest among the groups gnomAD compares: Non-Finnish European, 0.77%; 42 homozygotes.

Submissions (2):

CeGaT Center for Human Genetics Tuebingen
Classification: Likely benign. Last evaluated: 2026-04-01. Review status: criteria provided, single submitter. Criteria: CeGaT Center For Human Genetics Tuebingen Variant Classification Criteria Version 2. Collection method: clinical testing. Allele origin: germline. Affected: yes. Observed: 2 variant alleles.
Comment: PPIP5K2: BP4, BP7, BS2

PreventionGenetics, part of Exact Sciences
Classification: Benign for PPIP5K2-related condition. Last evaluated: 2019-12-19. Review status: no assertion criteria provided. Collection method: clinical testing. Allele origin: germline. Not counted in ClinVar's aggregate classification.
Comment: This variant is classified as benign based on ACMG/AMP sequence variant interpretation guidelines (Richards et al. 2015 PMID: 25741868, with internal and published modifications).